The following is an entry in ClinVar:

NM_001854.4(COL11A1):c.4268del (p.Gly1423fs)

Gene: COL11A1 (collagen type XI alpha 1 chain; minus strand). Cytogenetic location: 1p21.1.
Variant type: Deletion.
Coding change: c.4268del on transcript NM_001854.4 (MANE Select); coding-DNA position 4268, one base deleted (G; older notation c.4268delG).
Protein change: p.Gly1423fs; shifts the reading frame from glycine 1423.
Molecular consequence: frameshift variant. On other transcripts: non-coding transcript variant (1).
Genome position (GRCh38, 1-based): chr1:102,898,159, C deleted on the plus strand (G on the coding strand, the reverse complement: COL11A1 is on the minus strand); the first of 2 consecutive C bases (chr1:102,898,159-102,898,160); deleting either gives the same sequence. VCF-style (leftmost placement, unchanged base first): chr1-102898158-TC-T. GRCh37 (hg19) VCF-style: chr1-103363714-TC-T.
Other names: c.4151del, p.Gly1384fs (NM_001190709.2); c.4304del, p.Gly1435fs (NM_080629.3); c.3920del, p.Gly1307fs (NM_080630.4); short protein forms G1307fs, G1384fs, G1423fs, G1435fs.
Identifiers: ClinVar variation 4292685 (VCV004292685.1).

ClinVar aggregate classification (germline): Likely pathogenic (1 of 4 stars; one submission).

Conditions:
Marshall syndrome (MRSHS). Identifiers: Orphanet 560, MedGen C0265235, MONDO:0007949, OMIM 154780.

Submission:

3billion
Classification: Likely pathogenic for Marshall syndrome. Last evaluated: 2024-11-11. Review status: criteria provided, single submitter. Criteria: ACMG Guidelines, 2015. Collection method: clinical testing. Allele origin: germline. Affected: yes.
Comment: The variant is observed at an extremely low frequency in the gnomAD v4.1.0 dataset (total allele frequency: <0.001%). Predicted Consequence/Location: Frameshift: predicted to result in a loss or disruption of normal protein function through nonsense-mediated decay (NMD) or protein truncation. Multiple pathogenic variants are reported downstream of the variant. Therefore, this variant is classified as Likely pathogenic according to the recommendation of ACMG/AMP guideline.